The following is an entry in ClinVar:

NM_003000.3(SDHB):c.14T>C (p.Val5Ala)

Gene: SDHB (succinate dehydrogenase complex iron sulfur subunit B; minus strand). Cytogenetic location: 1p36.13.
Variant type: single nucleotide variant.
Coding change: c.14T>C on transcript NM_003000.3 (MANE Select); coding-DNA position 14, T replaced by C.
Protein change: p.Val5Ala; replaces valine 5 with alanine.
Molecular consequence: missense variant.
Genome position (GRCh38, 1-based): chr1:17,054,006, A>G on the plus strand (T>C on the coding strand, the complement: SDHB is on the minus strand). VCF-style: chr1-17054006-A-G. GRCh37 (hg19) VCF-style: chr1-17380501-A-G.
Other names: short protein forms V5A.
Identifiers: ClinVar variation 649875 (VCV000649875.8), dbSNP rs760565241, ClinGen allele CA338230856.

ClinVar aggregate classification (germline): Uncertain significance. Review status: criteria provided, multiple submitters, no conflicts (2 of 4 stars). 3 submissions from 3 submitters: Uncertain significance (3). Last evaluated 2025-11-13.

Conditions:
Pheochromocytoma/paraganglioma syndrome 4. Also called: SDHB-Related Hereditary Paraganglioma-Pheochromocytoma Syndrome (Paragangliomas 4); SDHB-Related Hereditary Paraganglioma-Pheochromocytoma Syndrome; CAROTID BODY TUMORS AND MULTIPLE EXTRAADRENAL PHEOCHROMOCYTOMAS; PARAGANGLIOMA, FAMILIAL MALIGNANT; PARAGANGLIOMAS, HEREDITARY EXTRAADRENAL; PHEOCHROMOCYTOMA, FAMILIAL EXTRAADRENAL. Identifiers: Orphanet 29072, MedGen C1861848, MONDO:0007273, OMIM 115310.
Pheochromocytoma. Also called: MAX-Related Hereditary Paraganglioma-Pheochromocytoma Syndrome. Identifiers: Orphanet 29072, MedGen C0031511, MONDO:0008233, OMIM 171300, HP:0002666.
Gastrointestinal stromal tumor. Also called: Gastrointestinal stromal tumor, somatic; Gastrointestinal stroma tumor. Identifiers: Orphanet 44890, MedGen C0238198, MeSH D046152, MONDO:0011719, OMIM 606764, HP:0100723.

Submissions (3):

Labcorp Genetics (formerly Invitae), Labcorp
Classification: Uncertain significance for Gastrointestinal stromal tumor; Pheochromocytoma/paraganglioma syndrome 4; Pheochromocytoma. Last evaluated: 2025-11-13. Review status: criteria provided, single submitter. Criteria: Invitae Variant Classification Sherloc (09022015). Collection method: clinical testing. Allele origin: germline.
Comment: This sequence change replaces valine, which is neutral and non-polar, with alanine, which is neutral and non-polar, at codon 5 of the SDHB protein (p.Val5Ala). This variant is not present in population databases (gnomAD no frequency). This variant has not been reported in the literature in individuals affected with SDHB-related conditions. ClinVar contains an entry for this variant (Variation ID: 649875). Invitae Evidence Modeling of protein sequence and biophysical properties (such as structural, functional, and spatial information, amino acid conservation, physicochemical variation, residue mobility, and thermodynamic stability) indicates that this missense variant is not expected to disrupt SDHB protein function with a negative predictive value of 95%. In summary, the available evidence is currently insufficient to determine the role of this variant in disease. Therefore, it has been classified as a Variant of Uncertain Significance.

Baylor Genetics
Classification: Uncertain significance for Gastrointestinal stromal tumor. Last evaluated: 2023-08-09. Review status: criteria provided, single submitter. Criteria: ACMG Guidelines, 2015. Collection method: clinical testing. Allele origin: unknown.

GeneDx
Classification: Uncertain significance. Last evaluated: 2023-08-07. Review status: criteria provided, single submitter. Criteria: GeneDx Variant Classification Process June 2021. Collection method: clinical testing. Allele origin: germline. Affected: yes.
Comment: Not observed at significant frequency in large population cohorts (gnomAD); In silico analysis supports that this missense variant does not alter protein structure/function; Has not been previously published as pathogenic or benign to our knowledge